The following is an entry in ClinVar:

NM_000206.3(IL2RG):c.181C>T (p.Gln61Ter)

Gene: IL2RG (interleukin 2 receptor subunit gamma; minus strand). Cytogenetic location: Xq13.1.
Variant type: single nucleotide variant.
Coding change: c.181C>T on transcript NM_000206.3 (MANE Select); coding-DNA position 181, C replaced by T.
Protein change: p.Gln61Ter; replaces glutamine 61 with a stop codon.
Molecular consequence: nonsense.
Genome position (GRCh38, 1-based): chrX:71,110,985, G>A on the plus strand (C>T on the coding strand, the complement: IL2RG is on the minus strand). VCF-style: chrX-71110985-G-A. GRCh37 (hg19) VCF-style: chrX-70330835-G-A.
Other names: NM_000206.3(IL2RG):c.181C>T; p.Gln61Ter; short protein forms Q61*.
Identifiers: ClinVar variation 633275 (VCV000633275.2), dbSNP rs1569480082, ClinGen allele CA413497169.

ClinVar aggregate classification (germline): Likely pathogenic. Review status: reviewed by expert panel (3 of 4 stars). 2 submissions from 2 submitters: Likely pathogenic (1). 1 of the submissions does not count toward it. Last evaluated 2024-06-12.

Conditions:
X-linked severe combined immunodeficiency (SCIDX1). Also called: X-Linked Combined Immunodeficiency Diseases; IMMUNODEFICIENCY 4; SCID, X-LINKED; SEVERE COMBINED IMMUNODEFICIENCY, X-LINKED, T CELL-NEGATIVE, B CELL-POSITIVE, NK CELL-NEGATIVE; T-B+ severe combined immunodeficiency due to gamma chain deficiency. Identifiers: Orphanet 276, MedGen C6022468, MONDO:0010315, OMIM 300400. Disease mechanism: loss of function.

Submissions (2):

ClinGen Severe Combined Immunodeficiency Variant Curation Expert Panel, ClinGen
Classification: Likely pathogenic for X-linked severe combined immunodeficiency. Last evaluated: 2024-06-12. Review status: reviewed by expert panel. Criteria: ClinGen SCID ACMG Specifications IL2RG V1.0.0. Collection method: curation. Allele origin: germline. Inheritance: X-linked inheritance.
Comment: The c.181C>T (p.Gln61Ter) (NM_000206.3) variant in IL2RG is a nonsense variant predicted to cause a premature stop codon in biologically-relevant-exon 2/8 leading to nonsense-mediated decay in a gene in which loss-of-function is an established disease mechanism (PVS1_Met). The variant is absent in gnomAD v4 (PM2_supporting). This variant is reported in a patient in PMID: 35874699 with no details provided. The patient doesn't meet PP4 criteria. In summary, this variant meets the criteria to be classified as a Likely Pathogenic variant for X-linked severe combined immunodeficiency due to IL2RG deficiency based on the ACMG/AMP criteria applied, as specified by the ClinGen SCID VCEP: PVS1_Met, PM2_supporting (VCEP specifications version 1).

Women's Health and Genetics/Laboratory Corporation of America, LabCorp
Classification: Pathogenic for X-linked severe combined immunodeficiency. Last evaluated: 2024-08-30. Review status: criteria provided, single submitter. Criteria: LabCorp Variant Classification Summary - May 2015. Collection method: clinical testing. Allele origin: germline. Not counted in ClinVar's aggregate classification.
Comment: Variant summary: IL2RG c.181C>T (p.Gln61X) results in a premature termination codon, predicted to cause a truncation of the encoded protein or absence of the protein due to nonsense mediated decay, which are commonly known mechanisms for disease. The frequency data for this variant in gnomAD is considered unreliable, as metrics indicate poor data quality at this position. c.181C>T has been reported in the literature in at-least one individual affected with X-Linked Severe Combined Immunodeficiency (example: Chan_2022). The following publication has been ascertained in the context of this evaluation (PMID: 35874699). ClinVar contains an entry for this variant (Variation ID: 633275). Based on the evidence outlined above, the variant was classified as pathogenic.

Literature cited by the submitters: PubMed 35874699 (cited by Women's Health and Genetics/Laboratory Corporation of America, LabCorp).